The following is an entry in ClinVar:

ClinVar aggregate classification (germline): Uncertain significance. Review status: criteria provided, multiple submitters, no conflicts (2 of 4 stars). 3 submissions from 3 submitters: Uncertain significance (3). Last evaluated 2025-03-04.

Conditions:
Hypertrophic cardiomyopathy 14. Identifiers: MedGen C2750467, MONDO:0013197, OMIM 613251.
Cardiovascular phenotype. Identifiers: MedGen CN230736.

Allele frequency attached by ClinVar (database versions not stated): gnomAD 0.00001; gnomAD exomes 0.00001; TOPMed 0.00001.
gnomAD v4.1: 6 of 1,614,062 alleles (0.00037%); highest among the groups gnomAD compares: Non-Finnish European, 0.00051%; no homozygotes.

Submissions (3):

Labcorp Genetics (formerly Invitae), Labcorp
Classification: Uncertain significance for Hypertrophic cardiomyopathy 14. Last evaluated: 2025-03-04. Review status: criteria provided, single submitter. Criteria: Invitae Variant Classification Sherloc (09022015). Collection method: clinical testing. Allele origin: germline.
Comment: This sequence change replaces lysine, which is basic and polar, with glutamic acid, which is acidic and polar, at codon 635 of the MYH6 protein (p.Lys635Glu). This variant is not present in population databases (gnomAD no frequency). This variant has not been reported in the literature in individuals affected with MYH6-related conditions. ClinVar contains an entry for this variant (Variation ID: 632916). Invitae Evidence Modeling of protein sequence and biophysical properties (such as structural, functional, and spatial information, amino acid conservation, physicochemical variation, residue mobility, and thermodynamic stability) has been performed for this missense variant. However, the output from this modeling did not meet the statistical confidence thresholds required to predict the impact of this variant on MYH6 protein function. In summary, the available evidence is currently insufficient to determine the role of this variant in disease. Therefore, it has been classified as a Variant of Uncertain Significance.

Ambry Genetics
Classification: Uncertain significance for Cardiovascular phenotype. Last evaluated: 2021-10-27. Review status: criteria provided, single submitter. Criteria: Ambry Variant Classification Scheme 2023. Collection method: clinical testing. Allele origin: germline.
Comment: The p.K635E variant (also known as c.1903A>G), located in coding exon 14 of the MYH6 gene, results from an A to G substitution at nucleotide position 1903. The lysine at codon 635 is replaced by glutamic acid, an amino acid with similar properties. This amino acid position is well conserved in available vertebrate species. In addition, this alteration is predicted to be tolerated by in silico analysis. Since supporting evidence is limited at this time, the clinical significance of this alteration remains unclear.

Women's Health and Genetics/Laboratory Corporation of America, LabCorp
Classification: Uncertain significance. Last evaluated: 2018-08-20. Review status: criteria provided, single submitter. Criteria: LabCorp Variant Classification Summary - May 2015. Collection method: clinical testing. Allele origin: germline.
Comment: Variant summary: MYH6 c.1903A>G (p.Lys635Glu) results in a conservative amino acid change located in the Myosin head, motor domain (IPR001609) of the encoded protein sequence. Four of five in-silico tools predict a benign effect of the variant on protein function. The variant was absent in 246208 control chromosomes (gnomAD). The available data on variant occurrences in the general population are insufficient to allow any conclusion about variant significance. To our knowledge, no occurrence of c.1903A>G in individuals affected with Cardiomyopathy and no experimental evidence demonstrating its impact on protein function have been reported. No clinical diagnostic laboratories have submitted clinical-significance assessments for this variant to ClinVar after 2014. Based on the evidence outlined above, the variant was classified as uncertain significance.

NM_002471.4(MYH6):c.1903A>G (p.Lys635Glu)

Gene: MYH6 (myosin heavy chain 6; minus strand). Cytogenetic location: 14q11.2.
Variant type: single nucleotide variant.
Coding change: c.1903A>G on transcript NM_002471.4 (MANE Select); coding-DNA position 1903, A replaced by G.
Protein change: p.Lys635Glu; replaces lysine 635 with glutamic acid.
Molecular consequence: missense variant.
Genome position (GRCh38, 1-based): chr14:23,397,602, T>C on the plus strand (A>G on the coding strand, the complement: MYH6 is on the minus strand). VCF-style: chr14-23397602-T-C. GRCh37 (hg19) VCF-style: chr14-23866811-T-C.
Other names: short protein forms K635E.
Identifiers: ClinVar variation 632916 (VCV000632916.8), dbSNP rs1566512077, ClinGen allele CA389019769.